The following is an entry in ClinVar:

NM_139076.3(ABRAXAS1):c.10G>A (p.Glu4Lys)

Genes: ABRAXAS1 (abraxas 1, BRCA1 A complex subunit; minus strand), LOC129992784 (ATAC-STARR-seq lymphoblastoid silent region 15542; plus strand). Cytogenetic location: 4q21.23.
Variant type: single nucleotide variant.
Coding change: c.10G>A on transcript NM_139076.3 (MANE Select); coding-DNA position 10, G replaced by A.
Protein change: p.Glu4Lys; replaces glutamic acid 4 with lysine.
Molecular consequence: missense variant. On other transcripts: 5 prime UTR variant (1).
Genome position (GRCh38, 1-based): chr4:83,485,063, C>T on the plus strand (G>A on the coding strand, the complement: ABRAXAS1 is on the minus strand). VCF-style: chr4-83485063-C-T. GRCh37 (hg19) VCF-style: chr4-84406216-C-T.
Other names: c.-251G>A (NM_001345962.2); short protein forms E4K.
Identifiers: ClinVar variation 641468 (VCV000641468.9), dbSNP rs549027065, ClinGen allele CA357264120.

ClinVar aggregate classification (germline): Uncertain significance (1 of 4 stars; one submission).

gnomAD v4.1: 7 of 1,589,036 alleles (0.00044%); highest among the groups gnomAD compares: South Asian, 0.0079%; no homozygotes.

Submission:

Labcorp Genetics (formerly Invitae), Labcorp
Classification: Uncertain significance. Last evaluated: 2022-04-19. Review status: criteria provided, single submitter. Criteria: Invitae Variant Classification Sherloc (09022015). Collection method: clinical testing. Allele origin: germline.
Comment: This sequence change replaces glutamic acid, which is acidic and polar, with lysine, which is basic and polar, at codon 4 of the ABRAXAS1 protein (p.Glu4Lys). This variant is present in population databases (no rsID available, gnomAD 0.007%). This variant has not been reported in the literature in individuals affected with ABRAXAS1-related conditions. ClinVar contains an entry for this variant (Variation ID: 641468). Algorithms developed to predict the effect of missense changes on protein structure and function are either unavailable or do not agree on the potential impact of this missense change (SIFT: "Tolerated"; PolyPhen-2: "Probably Damaging"; Align-GVGD: "Class C0"). In summary, the available evidence is currently insufficient to determine the role of this variant in disease. Therefore, it has been classified as a Variant of Uncertain Significance.